The following is an entry in ClinVar:

ClinVar aggregate classification (germline): Uncertain significance (1 of 4 stars; one submission).

Allele frequency attached by ClinVar (database versions not stated): TOPMed 0.00001.

Submission:

GeneDx
Classification: Uncertain significance. Last evaluated: 2022-04-06. Review status: criteria provided, single submitter. Criteria: GeneDx Variant Classification Process June 2021. Collection method: clinical testing. Allele origin: germline. Affected: yes.
Comment: Not observed at significant frequency in large population cohorts (gnomAD); In silico analysis supports that this missense variant does not alter protein structure/function; Has not been previously published as pathogenic or benign to our knowledge

NM_001353921.2(ARHGEF9):c.259C>A (p.Gln87Lys)

Gene: ARHGEF9 (Cdc42 guanine nucleotide exchange factor 9; minus strand). Cytogenetic location: Xq11.1.
Variant type: single nucleotide variant.
Coding change: c.259C>A on transcript NM_001353921.2 (MANE Select); coding-DNA position 259, C replaced by A.
Protein change: p.Gln87Lys; replaces glutamine 87 with lysine.
Molecular consequence: missense variant. On other transcripts: 5 prime UTR variant (3).
Genome position (GRCh38, 1-based): chrX:63,706,401, G>T on the plus strand (C>A on the coding strand, the complement: ARHGEF9 is on the minus strand). VCF-style: chrX-63706401-G-T. GRCh37 (hg19) VCF-style: chrX-62926281-G-T.
Other names: c.79C>A, p.Gln27Lys (NM_001173479.2); c.-69C>A (NM_001173480.2, NM_001369042.1); c.175C>A, p.Gln59Lys (NM_001330495.2, NM_001353927.2, NM_001369033.1 and 8 more transcripts); c.259C>A, p.Gln87Lys (NM_001353922.2); c.277C>A, p.Gln93Lys (NM_001353923.1); c.58C>A, p.Gln20Lys (NM_001353924.2, NM_001353926.2, NM_001369039.1 and 1 more transcripts); c.238C>A, p.Gln80Lys (NM_001353928.2, NM_001369030.1, NM_001369031.1 and 2 more transcripts); c.-445C>A (NM_001369045.1); short protein forms Q20K, Q27K, Q59K, Q80K, Q87K, Q93K.
Identifiers: ClinVar variation 1678737 (VCV001678737.2), dbSNP rs1602490706, ClinGen allele CA413402277.